The following is an entry in ClinVar:

NM_032122.5(DTNBP1):c.969GGA[3] (p.Glu325dup)

Gene: DTNBP1 (dystrobrevin binding protein 1; minus strand). Cytogenetic location: 6p22.3.
Variant type: Microsatellite.
Coding change: c.969GGA[3] on transcript NM_032122.5 (MANE Select); three copies in a row of the 3-base unit GGA starting at c.969; the reference has two copies in a row; one copy, 3 bases duplicated.
Protein change: p.Glu325dup; duplicates glutamic acid 325.
Molecular consequence: inframe insertion.
Genome position (GRCh38, 1-based): chr6:15,523,057-15,523,059, TCC duplicated on the plus strand (GGA on the coding strand, the reverse complement: DTNBP1 is on the minus strand); duplicating any 3 consecutive bases within chr6:15,523,057-15,523,064 gives the same sequence; the position shown is the placement nearest the transcript's 3' end. VCF-style (leftmost placement, unchanged base first): chr6-15523056-T-TTCC. GRCh37 (hg19) VCF-style: chr6-15523287-T-TTCC.
Other names: c.726GGA[3], p.Glu244dup (NM_001271667.2); c.918GGA[3], p.Glu308dup (NM_001271668.2); c.864GGA[3], p.Glu290dup (NM_001271669.2); c.972_974dupGGA (NM_032122.5).
Identifiers: ClinVar variation 1347095 (VCV001347095.4), dbSNP rs762760469, ClinGen allele CA3643663.

ClinVar aggregate classification (germline): Uncertain significance. Review status: criteria provided, multiple submitters, no conflicts (2 of 4 stars). 2 submissions from 2 submitters: Uncertain significance (2). Last evaluated 2025-06-19.

Submissions (2):

Women's Health and Genetics/Laboratory Corporation of America, LabCorp
Classification: Uncertain significance. Last evaluated: 2025-06-19. Review status: criteria provided, single submitter. Criteria: LabCorp Variant Classification Summary - May 2015. Collection method: clinical testing. Allele origin: germline.
Comment: Variant summary: DTNBP1 c.972_974dupGGA (p.Glu325dup) results in an in-frame duplication that is predicted to duplicate 1 amino acids into the encoded protein. The variant allele was found at a frequency of 2.4e-05 in 251496 control chromosomes. The available data on variant occurrences in the general population are insufficient to allow any conclusion about variant significance. To our knowledge, no occurrence of c.972_974dupGGA in individuals affected with Hermansky-Pudlak Syndrome and no experimental evidence demonstrating its impact on protein function have been reported. ClinVar contains an entry for this variant (Variation ID: 1347095). Based on the evidence outlined above, the variant was classified as uncertain significance.

Labcorp Genetics (formerly Invitae), Labcorp
Classification: Uncertain significance. Last evaluated: 2022-06-28. Review status: criteria provided, single submitter. Criteria: Invitae Variant Classification Sherloc (09022015). Collection method: clinical testing. Allele origin: germline.
Comment: This variant, c.972_974dup, results in the insertion of 1 amino acid(s) of the DTNBP1 protein (p.Glu325dup), but otherwise preserves the integrity of the reading frame. This variant is present in population databases (rs762760469, gnomAD 0.003%). This variant has not been reported in the literature in individuals affected with DTNBP1-related conditions. Experimental studies and prediction algorithms are not available or were not evaluated, and the functional significance of this variant is currently unknown. In summary, the available evidence is currently insufficient to determine the role of this variant in disease. Therefore, it has been classified as a Variant of Uncertain Significance.